The following is an entry in ClinVar:

NM_000310.4(PPT1):c.233A>C (p.Glu78Ala)

Gene: PPT1 (palmitoyl-protein thioesterase 1; minus strand). Cytogenetic location: 1p34.2.
Variant type: single nucleotide variant.
Coding change: c.233A>C on transcript NM_000310.4 (MANE Select); coding-DNA position 233, A replaced by C.
Protein change: p.Glu78Ala; replaces glutamic acid 78 with alanine.
Molecular consequence: missense variant. On other transcripts: intron variant (1).
Genome position (GRCh38, 1-based): chr1:40,092,399, T>G on the plus strand (A>C on the coding strand, the complement: PPT1 is on the minus strand). VCF-style: chr1-40092399-T-G. GRCh37 (hg19) VCF-style: chr1-40558071-T-G.
Other names: c.233A>C, p.Glu78Ala (NM_001363695.2); c.125-2887A>C (NM_001142604.2); short protein forms E78A.
Identifiers: ClinVar variation 1919748 (VCV001919748.2), dbSNP rs769365325, ClinGen allele CA789780.
Genomic context (GRCh38, chr1:40,092,399, plus strand): 5'-AGTATATGCTATGAAATCAGTCAGCAACCCTTCAAAGGAACAGCTGTGAAGCGCCTTACC[T>G]CCATCAGGGTCTTCCCAATCTCTAAAGATAAGACGTAAATTCCAGGTATTTTCTTCTCCA-3'
Protein context (NP_000301.1, residues 68-88): LSLEIGKTLM[Glu78Ala]DVENSFFLNV

ClinVar aggregate classification (germline): Uncertain significance (1 of 4 stars; one submission).

Conditions:
Neuronal ceroid lipofuscinosis 1 (CLN1). Also called: CEROID LIPOFUSCINOSIS, NEURONAL, 1, VARIABLE AGE AT ONSET; PPT1-Related Neuronal Ceroid-Lipofuscinosis. Identifiers: Orphanet 228329, MedGen C1850451, MONDO:0009744, OMIM 256730.

gnomAD v4.1: 1 of 1,603,164 alleles (0.000062%); highest among the groups gnomAD compares: Admixed American, 0.0017%; no homozygotes.

Submission:

Labcorp Genetics (formerly Invitae), Labcorp
Classification: Uncertain significance for Neuronal ceroid lipofuscinosis 1. Last evaluated: 2021-09-01. Review status: criteria provided, single submitter. Criteria: Invitae Variant Classification Sherloc (09022015). Collection method: clinical testing. Allele origin: germline.
Comment: This sequence change replaces glutamic acid with alanine at codon 78 of the PPT1 protein (p.Glu78Ala). The glutamic acid residue is moderately conserved and there is a moderate physicochemical difference between glutamic acid and alanine. This variant is present in population databases (rs769365325, ExAC 0.009%). This variant has not been reported in the literature in individuals affected with PPT1-related conditions. Algorithms developed to predict the effect of missense changes on protein structure and function (SIFT, PolyPhen-2, Align-GVGD) all suggest that this variant is likely to be tolerated. In summary, the available evidence is currently insufficient to determine the role of this variant in disease. Therefore, it has been classified as a Variant of Uncertain Significance.